The following is an entry in ClinVar:

ClinVar aggregate classification (germline): Uncertain significance (1 of 4 stars; one submission).

Submission:

Labcorp Genetics (formerly Invitae), Labcorp
Classification: Uncertain significance. Last evaluated: 2021-08-14. Review status: criteria provided, single submitter. Criteria: Invitae Variant Classification Sherloc (09022015). Collection method: clinical testing. Allele origin: germline.
Comment: The frequency data for this variant in the population databases is considered unreliable, as metrics indicate insufficient coverage at this position in the ExAC database. In summary, the available evidence is currently insufficient to determine the role of this variant in disease. Therefore, it has been classified as a Variant of Uncertain Significance. Algorithms developed to predict the effect of missense changes on protein structure and function are either unavailable or do not agree on the potential impact of this missense change (SIFT: "Deleterious"; PolyPhen-2: "Not Available"; Align-GVGD: "Class C0"). This variant has not been reported in the literature in individuals affected with ZSWIM6-related conditions. This sequence change replaces isoleucine with threonine at codon 80 of the ZSWIM6 protein (p.Ile80Thr). The isoleucine residue is weakly conserved and there is a moderate physicochemical difference between isoleucine and threonine.

NM_020928.2(ZSWIM6):c.239T>C (p.Ile80Thr)

Gene: ZSWIM6 (zinc finger SWIM-type containing 6; plus strand). Cytogenetic location: 5q12.1.
Variant type: single nucleotide variant.
Coding change: c.239T>C on transcript NM_020928.2 (MANE Select); coding-DNA position 239, T replaced by C.
Protein change: p.Ile80Thr; replaces isoleucine 80 with threonine.
Molecular consequence: missense variant.
Genome position (GRCh38, 1-based): chr5:61,332,511, T>C. VCF-style: chr5-61332511-T-C. GRCh37 (hg19) VCF-style: chr5-60628338-T-C.
Other names: short protein forms I80T.
Identifiers: ClinVar variation 1483379 (VCV001483379.6), dbSNP rs2112012408, ClinGen allele CA359940270.